The following is an entry in ClinVar:

NM_005228.5(EGFR):c.2468A>G (p.Lys823Arg)

Genes: EGFR-AS1 (EGFR antisense RNA 1; minus strand), EGFR (epidermal growth factor receptor; plus strand). Cytogenetic location: 7p11.2.
Variant type: single nucleotide variant.
Coding change: c.2468A>G on transcript NM_005228.5 (MANE Select); coding-DNA position 2468, A replaced by G.
Protein change: p.Lys823Arg; replaces lysine 823 with arginine.
Molecular consequence: missense variant. On other transcripts: non-coding transcript variant (1).
Genome position (GRCh38, 1-based): chr7:55,181,477, A>G. VCF-style: chr7-55181477-A-G. GRCh37 (hg19) VCF-style: chr7-55249170-A-G.
Other names: c.2333A>G, p.Lys778Arg (NM_001346897.2, NM_001346899.2); c.2468A>G, p.Lys823Arg (NM_001346898.2); c.2309A>G, p.Lys770Arg (NM_001346900.2); c.1667A>G, p.Lys556Arg (NM_001346941.2); short protein forms K770R, K778R, K556R, K823R.
Identifiers: ClinVar variation 940543 (VCV000940543.9), dbSNP rs1786873984, ClinGen allele CA367579073.

ClinVar aggregate classification (germline): Uncertain significance (1 of 4 stars; one submission).

Conditions:
EGFR-related lung cancer (EGFR). Identifiers: MedGen CN130014.

Submission:

Labcorp Genetics (formerly Invitae), Labcorp
Classification: Uncertain significance for EGFR-related lung cancer. Last evaluated: 2019-08-29. Review status: criteria provided, single submitter. Criteria: Invitae Variant Classification Sherloc (09022015). Collection method: clinical testing. Allele origin: germline.
Comment: In summary, the available evidence is currently insufficient to determine the role of this variant in disease. Therefore, it has been classified as a Variant of Uncertain Significance. Algorithms developed to predict the effect of sequence changes on RNA splicing suggest that this variant may disrupt the consensus splice site, but this prediction has not been confirmed by published transcriptional studies. Algorithms developed to predict the effect of missense changes on protein structure and function are either unavailable or do not agree on the potential impact of this missense change (SIFT: "Tolerated"; PolyPhen-2: "Probably Damaging"; Align-GVGD: "Class C0"). This variant has not been reported in the literature in individuals with EGFR-related conditions. This variant is not present in population databases (ExAC no frequency). This sequence change replaces lysine with arginine at codon 823 of the EGFR protein (p.Lys823Arg). The lysine residue is highly conserved and there is a small physicochemical difference between lysine and arginine.